The following is an entry in ClinVar:

NM_001080449.3(DNA2):c.74+17dup

Gene: DNA2 (DNA replication helicase/nuclease 2; minus strand). Cytogenetic location: 10q21.3.
Variant type: Duplication.
Coding change: c.74+17dup on transcript NM_001080449.3 (MANE Select); 17 bases into the intron after coding-DNA position 74, one base duplicated (G; older notation c.74+17dupG).
Molecular consequence: intron variant.
Genome position (GRCh38, 1-based): chr10:68,471,774, C duplicated on the plus strand (G on the coding strand, the reverse complement: DNA2 is on the minus strand); the first of 6 consecutive C bases (chr10:68,471,774-68,471,779); duplicating any one gives the same sequence. VCF-style (leftmost placement, unchanged base first): chr10-68471773-T-TC. GRCh37 (hg19) VCF-style: chr10-70231530-T-TC.
Other names: c.74+17dupG (NM_001080449.3).
Identifiers: ClinVar variation 3063916 (VCV003063916.1), dbSNP rs1478933671, ClinGen allele CA593853095.

ClinVar aggregate classification (germline): Likely benign (1 of 4 stars; one submission).

Submission:

Women's Health and Genetics/Laboratory Corporation of America, LabCorp
Classification: Likely benign. Last evaluated: 2024-01-15. Review status: criteria provided, single submitter. Criteria: LabCorp Variant Classification Summary - May 2015. Collection method: clinical testing. Allele origin: germline.
Comment: Variant summary: DNA2 c.74+17dupG alters a non-conserved nucleotide located at a position not widely known to affect splicing. Consensus agreement among computation tools predict no significant impact on normal splicing. However, these predictions have yet to be confirmed by functional studies. The variant was absent in 219522 control chromosomes (gnomAD). The available data on variant occurrences in the general population are insufficient to allow any conclusion about variant significance. To our knowledge, no occurrence of c.74+17dupG in individuals affected with Progressive External Ophthalmoplegia With Mitochondrial DNA Deletions, Autosomal Dominant 6 and no experimental evidence demonstrating its impact on protein function have been reported. No submitters have cited clinical-significance assessments for this variant to ClinVar. Based on the evidence outlined above, the variant was classified as likely benign.